The following is an entry in ClinVar:

NM_020442.6(VARS2):c.1168G>A (p.Ala390Thr)

Gene: VARS2 (valyl-tRNA synthetase 2, mitochondrial; plus strand). Cytogenetic location: 6p21.33.
Variant type: single nucleotide variant.
Coding change: c.1168G>A on transcript NM_020442.6 (MANE Select); coding-DNA position 1168, G replaced by A.
Protein change: p.Ala390Thr; replaces alanine 390 with threonine.
Molecular consequence: missense variant.
Genome position (GRCh38, 1-based): chr6:30,920,091, G>A. VCF-style: chr6-30920091-G-A. GRCh37 (hg19) VCF-style: chr6-30887868-G-A.
Other names: p.Ala420Thr; c.748G>A, p.Ala250Thr (NM_001167733.3); c.1258G>A, p.Ala420Thr (NM_001167734.2); short protein forms A390T, A420T, A250T.
Identifiers: ClinVar variation 522814 (VCV000522814.72), dbSNP rs202201763, ClinGen allele CA3705844.

ClinVar aggregate classification (germline): Conflicting classifications of pathogenicity. Review status: criteria provided, conflicting classifications (1 of 4 stars). 15 submissions from 15 submitters: Pathogenic (5); Likely pathogenic (7); Uncertain significance (2). 1 of the submissions does not count toward it. Last evaluated 2026-10-19.

Conditions:
VARS2-related disorder. Also called: VARS2-related disorders; VARS2-related condition.
Inborn genetic diseases. Identifiers: MedGen C0950123, MeSH D030342.
Combined oxidative phosphorylation defect type 20. Also called: Combined oxidative phosphorylation deficiency 20. Identifiers: Orphanet 420728, MedGen C4014660, MONDO:0014397, OMIM 615917.

Allele frequency attached by ClinVar (database versions not stated): ESP Exome Variant Server 0.00012; 1000 Genomes Project 30x 0.00016; 1000 Genomes Project 0.00020; ExAC 0.00031; gnomAD 0.00036 and 0.00039; gnomAD exomes 0.00040; TOPMed 0.00065.
gnomAD v4.1: 282 of 1,540,782 alleles (0.018%); highest among the groups gnomAD compares: Admixed American, 0.24%; no homozygotes.

Submissions (16):

Laboratorio de Genetica e Diagnostico Molecular, Hospital Israelita Albert Einstein
Classification: Likely pathogenic. Last evaluated: 2026-10-19. Review status: criteria provided, single submitter. Criteria: ACMG Guidelines, 2015. Collection method: clinical testing. Allele origin: germline. Affected: yes.
Comment: PM3 strong, PP4 supporting, PP1 supporting. Following a review of the updated scientific literature and clinical evidence, the variant was reclassified from variant of uncertain significance (VUS) to likely pathogenic. This reclassification is supported by evidence of the variant being identified in affected individuals, including data from our internal cohort.

Dasa
Classification: Likely pathogenic. Last evaluated: 2026-03-17. Review status: criteria provided, single submitter. Criteria: DASA Assertion Criteria. Collection method: clinical testing. Allele origin: germline.
Comment: NM_020442.6(VARS2):c.1168G>A (p.Ala390Thr) is a missense variant that results in the substitution of alanine with threonine. This variant has been recurrently observed in individuals with VARS2-related disorders (PMID: 29314548; PMID: 33937156). Functional evidence supports an impact on the gene or gene product. Also, this variant is rare in population databases. Based on the currently available evidence, this variant is classified as likely pathogenic.

OLLIN Analises Genomicas, OLLIN
Classification: Likely pathogenic for Combined oxidative phosphorylation defect type 20. Last evaluated: 2026-02-13. Review status: criteria provided, single submitter. Criteria: ACMG Guidelines 2015 PMID 25741868. Collection method: clinical testing. Allele origin: germline. Observed: 1 variant allele.
Comment: PM2_P, PM3_S, PP1

GeneDx
Classification: Pathogenic. Last evaluated: 2026-01-29. Review status: criteria provided, single submitter. Criteria: GeneDx Variant Classification Process June 2021. Collection method: clinical testing. Allele origin: germline. Affected: yes.
Comment: In silico analysis supports that this missense variant has a deleterious effect on protein structure/function; This variant is associated with the following publications: (PMID: 33937156, 34484863, 31623496, 30458719, 34216551, 29314548, 38752301, 39408606, 38465286)

Labcorp Genetics (formerly Invitae), Labcorp
Classification: Pathogenic. Last evaluated: 2026-01-16. Review status: criteria provided, single submitter. Criteria: Invitae Variant Classification Sherloc (09022015). Collection method: clinical testing. Allele origin: germline.
Comment: This sequence change replaces alanine, which is neutral and non-polar, with threonine, which is neutral and polar, at codon 420 of the VARS2 protein (p.Ala420Thr). This variant is present in population databases (rs202201763, gnomAD 0.2%). This missense change has been observed in individual(s) with clinical features of VARS2-related conditions (PMID: 29314548, 33937156; internal data). In at least one individual the data is consistent with being in trans (on the opposite chromosome) from a pathogenic variant. It has also been observed to segregate with disease in related individuals. ClinVar contains an entry for this variant (Variation ID: 522814). An algorithm developed to predict the effect of missense changes on protein structure and function (PolyPhen-2) suggests that this variant is likely to be disruptive. For these reasons, this variant has been classified as Pathogenic.

PreventionGenetics, part of Exact Sciences
Classification: Likely pathogenic for VARS2-related condition. Last evaluated: 2025-12-04. Review status: criteria provided, single submitter. Criteria: ACMG Guidelines, 2015. Collection method: clinical testing. Allele origin: germline.
Comment: The VARS2 c.1258G>A variant is predicted to result in the amino acid substitution p.Ala420Thr. This variant was reported in the homozygous state in two siblings and an apparently unrelated individual with VARS2-related mitochondrial disease (Bruni et al. 2018. PubMed ID: 29314548). This variant was also reported with a second VARS2 variant in two other individuals with a similar phenotype (Reported as NM_020442.6:c.1168G>A; p.Ala390Thr in Kušíková et al. 2021. PubMed ID: 33937156; Supp. Table 2, Nogueira et al. 2024. PubMed ID: 38465286). Experimental studies on muscle homogenate from that patient indicated that VARS2 protein was deficient. This variant is reported in 0.24% of alleles in individuals of Latino descent in gnomAD. This variant is interpreted as likely pathogenic.

Women's Health and Genetics/Laboratory Corporation of America, LabCorp
Classification: Pathogenic for Combined oxidative phosphorylation defect type 20. Last evaluated: 2025-07-21. Review status: criteria provided, single submitter. Criteria: LabCorp Variant Classification Summary - May 2015. Collection method: clinical testing. Allele origin: germline.
Comment: Variant summary: VARS2 c.1168G>A (p.Ala390Thr) results in a non-conservative amino acid change located in the Aminoacyl-tRNA synthetase, class Ia domain (IPR002300) of the encoded protein sequence. Algorithms developed to predict the effect of missense changes on protein structure and function are either unavailable or do not agree on the potential impact of this missense change. Consensus agreement among computation tools predict no significant impact on normal splicing. However, these predictions have yet to be confirmed by functional studies. The variant allele was found at a frequency of 0.0004 in 188830 control chromosomes. This frequency is not significantly higher than estimated for a pathogenic variant in VARS2 causing Combined Oxidative Phosphorylation Defect Type 20, allowing no conclusion about variant significance. c.1168G>A (aka. c.1258G>A, p.Ala420Thr), has been reported in the literature in multiple individuals affected with Combined Oxidative Phosphorylation Defect Type 20 (Bruni_2018, Kusikova_2021, internal data). One of these publications reported that VARS2 protein was deficient in patient derived muscle biopsy, and the resulting defect of oxidative phosphorylation was also demonstrated by enzymatic assay (Kusikova_2021). These data indicate that the variant is very likely to be associated with disease. The following publications have been ascertained in the context of this evaluation (PMID: 29314548, 33937156, 34216551). ClinVar contains an entry for this variant (Variation ID: 522814). Based on the evidence outlined above, the variant was classified as pathogenic.

Ambry Genetics
Classification: Pathogenic for Inborn genetic diseases. Last evaluated: 2025-06-06. Review status: criteria provided, single submitter. Criteria: Ambry Variant Classification Scheme 2023. Collection method: clinical testing. Allele origin: germline.
Comment: The c.1258G>A (p.A420T) alteration is located in exon 13 (coding exon 13) of the VARS2 gene. This alteration results from a G to A substitution at nucleotide position 1258, causing the alanine (A) at amino acid position 420 to be replaced by a threonine (T). Based on data from gnomAD, the A allele has an overall frequency of 0.038% (84/220212) total alleles studied. The highest observed frequency was 0.236% (60/25380) of Latino alleles. This variant has been identified in the homozygous state and/or in conjunction with other VARS2 variant(s) in individual(s) with features consistent with mitochondrial valyl-tRNA synthetase deficiency; in at least one instance, the variants were identified in trans (Ku&scaron;&iacute;kov&aacute;, 2021; Bruni, 2018; Nogueira, 2024; Rouzier, 2024; Constante, 2024; external communication). This amino acid position is highly conserved in available vertebrate species. The in silico prediction for this alteration is inconclusive. Based on the available evidence, this alteration is classified as pathogenic.

Blueprint Genetics
Classification: Likely pathogenic for VARS2-related disorders. Last evaluated: 2024-11-25. Review status: criteria provided, single submitter. Criteria: ACMG Guidelines, 2015. Collection method: clinical testing. Allele origin: germline. Affected: yes. Observed: 5 variant alleles.

Mayo Clinic Laboratories, Mayo Clinic
Classification: Likely pathogenic. Last evaluated: 2024-04-01. Review status: criteria provided, single submitter. Criteria: ACMG Guidelines, 2015. Collection method: clinical testing. Allele origin: germline.
Comment: PP4, PM3, PS4

Department of Pathology and Laboratory Medicine, Sinai Health System
Classification: Likely pathogenic for Combined oxidative phosphorylation defect type 20. Last evaluated: 2023-07-24. Review status: criteria provided, single submitter. Criteria: ACMG Guidelines, 2015. Collection method: research. Allele origin: germline.

CeGaT Center for Human Genetics Tuebingen
Classification: Uncertain significance. Last evaluated: 2022-08-01. Review status: criteria provided, single submitter. Criteria: CeGaT Center For Human Genetics Tuebingen Variant Classification Criteria Version 2. Collection method: clinical testing. Allele origin: germline. Affected: yes. Observed: 1 variant allele.
Comment: VARS2: PM3, PM2:Supporting

Mendelics
Classification: Pathogenic for Combined oxidative phosphorylation defect type 20. Last evaluated: 2019-05-28. Review status: criteria provided, single submitter. Criteria: Mendelics Assertion Criteria 2017. Collection method: clinical testing. Allele origin: unknown.

Undiagnosed Diseases Network, NIH
Classification: Uncertain significance for Combined oxidative phosphorylation defect type 20. Last evaluated: 2017-05-04. Review status: criteria provided, single submitter. Criteria: ACMG Guidelines, 2015. Collection method: clinical testing. Allele origin: paternal. Inheritance: Autosomal recessive inheritance. Affected: yes. Observed: 1 variant allele, 1 compound heterozygote. Study: Undiagnosed Diseases Network (NIH), UDN.

Department of Pediatrics, Salzburger Landeskliniken & Paracelsus Medical University
No classification provided (evidence only). Condition: Combined oxidative phosphorylation defect type 20. Last evaluated: 2021-02-22. Review status: no classification provided. Collection method: clinical testing. Allele origin: not applicable. Inheritance: Autosomal recessive inheritance. Functional consequence: Decreased function. Not counted in ClinVar's aggregate classification.
Comment: "Pathogenic" was previously submitted as the classification for the variant. However, the classification appeared to be based only on an observation of functional data so it was converted to no classification on 2025-07-30.

OMIM
Classification: Pathogenic for COMBINED OXIDATIVE PHOSPHORYLATION DEFICIENCY 20. Last evaluated: 2020-07-10. Review status: no assertion criteria provided. Collection method: literature only. Allele origin: germline. Not counted in ClinVar's aggregate classification.

Literature cited by the submitters: PubMed 29314548 (cited by 6 submitters); PubMed 33937156 (cited by 5 submitters); PubMed 34216551 (cited by Women's Health and Genetics/Laboratory Corporation of America, LabCorp); PubMed 38465286 (cited by Ambry Genetics); PubMed 38703036 (cited by Ambry Genetics); PubMed 38752301 (cited by Ambry Genetics); PubMed 27502409 (cited by Mayo Clinic Laboratories, Mayo Clinic); PubMed 31623496 (cited by Mayo Clinic Laboratories, Mayo Clinic); PubMed 34484863 (cited by Mayo Clinic Laboratories, Mayo Clinic).